The following is an entry in ClinVar:

ClinVar aggregate classification (germline): Pathogenic (1 of 4 stars; one submission).

Conditions:
Hereditary breast ovarian cancer syndrome. Also called: Hereditary breast and ovarian cancer; Breast and ovarian cancer; BRCA1- and BRCA2-Associated Hereditary Breast and Ovarian Cancer; Hereditary breast and/or ovarian cancer syndrome; Hereditary breast and ovarian cancer syndrome; Hereditary breast and ovarian cancer syndrome (HBOC). Identifiers: Orphanet 145, MedGen C0677776, MeSH D061325, MONDO:0003582. Disease mechanism: loss of function.

Submission:

Labcorp Genetics (formerly Invitae), Labcorp
Classification: Pathogenic for Hereditary breast ovarian cancer syndrome. Last evaluated: 2020-11-20. Review status: criteria provided, single submitter. Criteria: Invitae Variant Classification Sherloc (09022015). Collection method: clinical testing. Allele origin: germline.
Comment: For these reasons, this variant has been classified as Pathogenic. This variant has been observed in individual(s) with breast cancer (PMID: 23767878). This variant is not present in population databases (ExAC no frequency). This sequence change creates a premature translational stop signal (p.Ala216Hisfs*14) in the BRCA2 gene. It is expected to result in an absent or disrupted protein product. Loss-of-function variants in BRCA2 are known to be pathogenic (PMID: 20104584).

Literature cited by the submitters: PubMed 23767878; PubMed 20104584.

NM_000059.4(BRCA2):c.646del (p.Ala216fs)

Gene: BRCA2 (BRCA2 DNA repair associated; plus strand). Cytogenetic location: 13q13.1.
Variant type: Deletion.
Coding change: c.646del on transcript NM_000059.4 (MANE Select); coding-DNA position 646, one base deleted (G; older notation c.646delG).
Protein change: p.Ala216fs; shifts the reading frame from alanine 216.
Molecular consequence: frameshift variant.
Genome position (GRCh38, 1-based): chr13:32,329,457, G deleted. VCF-style (leftmost placement, unchanged base first): chr13-32329456-AG-A. GRCh37 (hg19) VCF-style: chr13-32903593-AG-A.
Other names: short protein forms A216fs.
Identifiers: ClinVar variation 1458381 (VCV001458381.8), dbSNP rs2137458240, ClinGen allele CA658761146.